The following is an entry in ClinVar:

NM_001384140.1(PCDH15):c.985G>A (p.Gly329Arg)

Gene: PCDH15 (protocadherin related 15; minus strand). Cytogenetic location: 10q21.1.
Variant type: single nucleotide variant.
Coding change: c.985G>A on transcript NM_001384140.1 (MANE Select); coding-DNA position 985, G replaced by A.
Protein change: p.Gly329Arg; replaces glycine 329 with arginine.
Molecular consequence: missense variant.
Genome position (GRCh38, 1-based): chr10:54,236,823, C>T on the plus strand (G>A on the coding strand, the complement: PCDH15 is on the minus strand). VCF-style: chr10-54236823-C-T. GRCh37 (hg19) VCF-style: chr10-55996583-C-T.
Other names: NM_001384140.1:c.985G>A; c.1000G>A, p.Gly334Arg (NM_001142763.2, NM_001142769.4, NM_001142771.2); c.985G>A, p.Gly329Arg (NM_001142764.2, NM_001142765.2, NM_001142766.2 and 7 more transcripts); c.874G>A, p.Gly292Arg (NM_001142767.2); c.919G>A, p.Gly307Arg (NM_001142768.2, NM_001142773.2, NM_001354404.2); short protein forms G329R, G292R, G307R, G334R.
Identifiers: ClinVar variation 2412663 (VCV002412663.1), dbSNP rs1166198215, ClinGen allele CA376527870.

ClinVar aggregate classification (germline): Uncertain significance (1 of 4 stars; one submission).

Conditions:
Usher syndrome type 1F (USH1F). Also called: USHER SYNDROME, TYPE IF. Identifiers: Orphanet 231169, Orphanet 886, MedGen C1865885, MONDO:0011186, OMIM 602083.

Allele frequency attached by ClinVar (database versions not stated): gnomAD exomes below 0.00001.
gnomAD v4.1: 1 of 1,607,288 alleles (0.000062%); highest among the groups gnomAD compares: Admixed American, 0.0017%; no homozygotes.

Submission:

Broad Center for Mendelian Genomics, Broad Institute of MIT and Harvard
Classification: Uncertain significance for Usher syndrome type 1F. Last evaluated: 2023-01-24. Review status: criteria provided, single submitter. Criteria: ACMG Guidelines, 2015. Collection method: curation. Allele origin: germline. Inheritance: Autosomal recessive inheritance.
Comment: The p.Gly329Arg variant in PCDH15 has been reported in 1 individual, in the homozygous state, with Usher syndrome type 1F (PMID: 26969326), and has been identified in 0.003% (1/34582) of Latino/Admixed American chromosomes by the Genome Aggregation Database (gnomAD; dbSNP ID: rs1166198215). Although this variant has been seen in the general population in a heterozygous state, its frequency is low enough to be consistent with a recessive carrier frequency. Computational prediction tools and conservation analyses suggest that this variant may impact the protein, though this information is not predictive enough to determine pathogenicity. In summary, while there is some suspicion for a pathogenic role, the clinical significance of this variant is uncertain. ACMG/AMP Criteria applied: PM2_supporting, PP3, PM3_supporting (Richards 2015).